The following is an entry in ClinVar:

NM_001040108.2(MLH3):c.999G>C (p.Trp333Cys)

Gene: MLH3 (mutL homolog 3; minus strand). Cytogenetic location: 14q24.3.
Variant type: single nucleotide variant.
Coding change: c.999G>C on transcript NM_001040108.2 (MANE Select); coding-DNA position 999, G replaced by C.
Protein change: p.Trp333Cys; replaces tryptophan 333 with cysteine.
Molecular consequence: missense variant.
Genome position (GRCh38, 1-based): chr14:75,048,657, C>G on the plus strand (G>C on the coding strand, the complement: MLH3 is on the minus strand). VCF-style: chr14-75048657-C-G. GRCh37 (hg19) VCF-style: chr14-75515360-C-G.
Other names: c.999G>C, p.Trp333Cys (NM_014381.3); short protein forms W333C.
Identifiers: ClinVar variation 1768860 (VCV001768860.2), dbSNP rs2139591861, ClinGen allele CA390448207.
Genomic context (GRCh38, chr14:75,048,657, plus strand): 5'-TAATTTTTCTTGCTTTAAAAACATTTTCACTCCTTCCTGAATGCAAAACAAGAGAGTGTC[C>G]CAGTTCTGAAATTCAATCAGAGTTTTGGCTGGCTCCATGCACACATCATACTCACAGAAT-3'
Protein context (NP_001035197.1, residues 323-343): PAKTLIEFQN[Trp333Cys]DTLLFCIQEG

ClinVar aggregate classification (germline): Uncertain significance (1 of 4 stars; one submission).

Submission:

Ambry Genetics
Classification: Uncertain significance. Last evaluated: 2022-06-21. Review status: criteria provided, single submitter. Criteria: Ambry Variant Classification Scheme 2023. Collection method: clinical testing. Allele origin: germline.
Comment: The p.W333C variant (also known as c.999G>C), located in coding exon 1 of the MLH3 gene, results from a G to C substitution at nucleotide position 999. The tryptophan at codon 333 is replaced by cysteine, an amino acid with highly dissimilar properties. This amino acid position is conserved. In addition, this alteration is predicted to be deleterious by in silico analysis. Since supporting evidence is limited at this time, the clinical significance of this alteration remains unclear.